The following is an entry in ClinVar:

NM_033004.4(NLRP1):c.5C>T (p.Ala2Val)

Genes: NLRP1 (NLR family pyrin domain containing 1; minus strand), LOC126862475 (CDK7 strongly-dependent group 2 enhancer GRCh37_chr17:5487167-5488366; plus strand). Cytogenetic location: 17p13.2.
Variant type: single nucleotide variant.
Coding change: c.5C>T on transcript NM_033004.4 (MANE Select); coding-DNA position 5, C replaced by T.
Protein change: p.Ala2Val; replaces alanine 2 with valine.
Molecular consequence: missense variant.
Genome position (GRCh38, 1-based): chr17:5,583,953, G>A on the plus strand (C>T on the coding strand, the complement: NLRP1 is on the minus strand). VCF-style: chr17-5583953-G-A. GRCh37 (hg19) VCF-style: chr17-5487273-G-A.
Other names: c.5C>T, p.Ala2Val (NM_001033053.3, NM_014922.5, NM_033006.4 and 1 more transcripts); short protein forms A2V.
Identifiers: ClinVar variation 1498726 (VCV001498726.7), dbSNP rs2151833072, ClinGen allele CA397391396.
Genomic context (GRCh38, chr17:5,583,953, plus strand): 5'-TTCAGCTCCTCCTTCTTCAGGAACTCCAAGTAACAGGCCAGGCGGCCCCAGGCTCCGCCA[G>A]CCATCTCTGTCCCGGAGTTAAGAGGGTGTCTGGGGGATGTTCCCAGGTGGTGAGGGTATC-3'
Protein context (NP_127497.1, residues 1-12): M[Ala2Val]GGAWGRLACY

ClinVar aggregate classification (germline): Uncertain significance. Review status: criteria provided, multiple submitters, no conflicts (2 of 4 stars). 2 submissions from 2 submitters: Uncertain significance (2). Last evaluated 2022-09-15.

gnomAD v4.1: 2 of 1,608,798 alleles (0.00012%); highest among the groups gnomAD compares: Non-Finnish European, 0.00017%; no homozygotes.

Submissions (2):

Labcorp Genetics (formerly Invitae), Labcorp
Classification: Uncertain significance. Last evaluated: 2022-09-15. Review status: criteria provided, single submitter. Criteria: Invitae Variant Classification Sherloc (09022015). Collection method: clinical testing. Allele origin: germline.
Comment: In summary, the available evidence is currently insufficient to determine the role of this variant in disease. Therefore, it has been classified as a Variant of Uncertain Significance. This sequence change replaces alanine, which is neutral and non-polar, with valine, which is neutral and non-polar, at codon 2 of the NLRP1 protein (p.Ala2Val). This variant is not present in population databases (gnomAD no frequency). This variant has not been reported in the literature in individuals affected with NLRP1-related conditions. ClinVar contains an entry for this variant (Variation ID: 1498726). Algorithms developed to predict the effect of missense changes on protein structure and function are either unavailable or do not agree on the potential impact of this missense change (SIFT: "Deleterious"; PolyPhen-2: "Probably Damaging"; Align-GVGD: "Class C0"). Algorithms developed to predict the effect of sequence changes on RNA splicing suggest that this variant may create or strengthen a splice site.

Blueprint Genetics
Classification: Uncertain significance. Last evaluated: 2020-07-15. Review status: criteria provided, single submitter. Criteria: ACMG Guidelines, 2015. Collection method: clinical testing. Allele origin: germline.